The following is an entry in ClinVar:

NM_000238.4(KCNH2):c.1946-3C>T

Gene: KCNH2 (potassium voltage-gated channel subfamily H member 2; minus strand). Cytogenetic location: 7q36.1.
Variant type: single nucleotide variant.
Coding change: c.1946-3C>T on transcript NM_000238.4 (MANE Select); 3 bases into the intron before coding-DNA position 1946, C replaced by T.
Molecular consequence: intron variant.
Genome position (GRCh38, 1-based): chr7:150,951,123, G>A on the plus strand (C>T on the coding strand, the complement: KCNH2 is on the minus strand). VCF-style: chr7-150951123-G-A. GRCh37 (hg19) VCF-style: chr7-150648211-G-A.
Other names: c.1658-3C>T (NM_001406753.1, NM_001406756.1); c.926-3C>T (NM_172057.3, NM_001204798.2); c.1946-3C>T (NM_172056.3); c.1769-3C>T (NM_001406755.1); c.1646-3C>T (NM_001406757.1).
Identifiers: ClinVar variation 1957390 (VCV001957390.5), dbSNP rs1479106083, ClinGen allele CA579075441.

ClinVar aggregate classification (germline): Uncertain significance (1 of 4 stars; one submission).

Conditions:
Long QT syndrome (LQTS). Identifiers: MedGen C0023976, MeSH D008133, MONDO:0002442. Disease mechanism: loss of function. Inheritance: Various modes of inheritance.

Allele frequency attached by ClinVar (database versions not stated): gnomAD exomes below 0.00001.
gnomAD v4.1: 2 of 1,598,578 alleles (0.00013%); highest among the groups gnomAD compares: Non-Finnish European, 0.00017%; no homozygotes.

Submission:

Labcorp Genetics (formerly Invitae), Labcorp
Classification: Uncertain significance for Long QT syndrome. Last evaluated: 2022-01-17. Review status: criteria provided, single submitter. Criteria: Invitae Variant Classification Sherloc (09022015). Collection method: clinical testing. Allele origin: germline.
Comment: This variant has not been reported in the literature in individuals affected with KCNH2-related conditions. This variant is not present in population databases (gnomAD no frequency). This sequence change falls in intron 7 of the KCNH2 gene. It does not directly change the encoded amino acid sequence of the KCNH2 protein. It affects a nucleotide within the consensus splice site. Variants that disrupt the consensus splice site are a relatively common cause of aberrant splicing (PMID: 17576681, 9536098). Algorithms developed to predict the effect of sequence changes on RNA splicing suggest that this variant is not likely to affect RNA splicing. In summary, the available evidence is currently insufficient to determine the role of this variant in disease. Therefore, it has been classified as a Variant of Uncertain Significance.

Literature cited by the submitters: PubMed 17576681; PubMed 9536098.